The following is an entry in ClinVar:

ClinVar aggregate classification (germline): Likely benign. Review status: criteria provided, multiple submitters, no conflicts (2 of 4 stars). 4 submissions from 4 submitters: Likely benign (3). 1 of the submissions does not count toward it. Last evaluated 2026-07-01.

Conditions:
HK1-related disorder. Also called: HK1-related disorders; HK1-related condition.

Allele frequency attached by ClinVar (database versions not stated): gnomAD 0.00004 and 0.00005; TOPMed 0.00004; gnomAD exomes 0.00008 and 0.00012; ExAC 0.00012.
gnomAD v4.1: 134 of 1,613,984 alleles (0.0083%); highest among the groups gnomAD compares: South Asian, 0.042%; 2 homozygotes.

Submissions (4):

CeGaT Center for Human Genetics Tuebingen
Classification: Likely benign. Last evaluated: 2026-07-01. Review status: criteria provided, single submitter. Criteria: CeGaT Center For Human Genetics Tuebingen Variant Classification Criteria Version 2. Collection method: clinical testing. Allele origin: germline. Affected: yes. Observed: 11 variant alleles.
Comment: HK1: BP4, BP7

Labcorp Genetics (formerly Invitae), Labcorp
Classification: Likely benign. Last evaluated: 2025-07-13. Review status: criteria provided, single submitter. Criteria: Invitae Variant Classification Sherloc (09022015). Collection method: clinical testing. Allele origin: germline.

Blueprint Genetics
Classification: Likely benign. Last evaluated: 2024-10-28. Review status: criteria provided, single submitter. Criteria: ACMG Guidelines, 2015. Collection method: clinical testing. Allele origin: germline.

PreventionGenetics, part of Exact Sciences
Classification: Likely benign for HK1-related condition. Last evaluated: 2023-01-10. Review status: no assertion criteria provided. Collection method: clinical testing. Allele origin: germline. Not counted in ClinVar's aggregate classification.
Comment: This variant is classified as likely benign based on ACMG/AMP sequence variant interpretation guidelines (Richards et al. 2015 PMID: 25741868, with internal and published modifications).

NM_000188.3(HK1):c.2301C>T (p.Leu767=)

Gene: HK1 (hexokinase 1; plus strand). Cytogenetic location: 10q22.1.
Variant type: single nucleotide variant.
Coding change: c.2301C>T on transcript NM_000188.3 (MANE Select); coding-DNA position 2301, C replaced by T.
Protein change: p.Leu767=; no amino-acid change (leucine 767 retained).
Molecular consequence: synonymous variant.
Genome position (GRCh38, 1-based): chr10:69,395,031, C>T. VCF-style: chr10-69395031-C-T. GRCh37 (hg19) VCF-style: chr10-71154787-C-T.
Other names: c.2313C>T, p.Leu771= (NM_001322364.2, NM_001358263.1, NM_033497.3 and 1 more transcripts); c.2406C>T, p.Leu802= (NM_001322365.2); c.2217C>T, p.Leu739= (NM_001322366.1); c.2205C>T, p.Leu735= (NM_001322367.1); c.2298C>T, p.Leu766= (NM_033496.3); c.2265C>T, p.Leu755= (NM_033500.2).
Identifiers: ClinVar variation 738975 (VCV000738975.36), dbSNP rs767066673, ClinGen allele CA5532825.
Genomic context (GRCh38, chr10:69,395,031, plus strand): 5'-TATGTACCTGGGTGAAATCGTCCGCAACATCTTAATCGACTTCACCAAGAAGGGATTCCT[C>T]TTCCGAGGGCAGATCTCTGAGACGCTGAAGACCCGGGGCATCTTTGAGACCAAGTTTCTC-3'
Protein context (NP_000179.2, residues 757-777): ILIDFTKKGF[Leu767=]FRGQISETLK